The following is an entry in ClinVar:

NM_005677.4(COLQ):c.25_26del (p.Leu9fs)

Gene: COLQ (collagen like tail subunit of asymmetric acetylcholinesterase; minus strand). Cytogenetic location: 3p25.1.
Variant type: Deletion.
Coding change: c.25_26del on transcript NM_005677.4 (MANE Select); coding-DNA positions 25 to 26, 2 bases deleted (TT; older notation c.25_26delTT).
Protein change: p.Leu9fs; shifts the reading frame from leucine 9.
Molecular consequence: frameshift variant.
Genome position (GRCh38, 1-based): chr3:15,521,600-15,521,601, AA deleted on the plus strand (TT on the coding strand, the reverse complement: COLQ is on the minus strand); deleting any 2 consecutive bases within chr3:15,521,600-15,521,602 gives the same sequence; the c. name uses the placement nearest the transcript's 3' end. VCF-style (leftmost placement, unchanged base first): chr3-15521599-CAA-C. GRCh37 (hg19) VCF-style: chr3-15563106-CAA-C.
Other names: c.25_26del, p.Leu9fs (NM_080539.4); short protein forms L9fs.
Identifiers: ClinVar variation 4743420 (VCV004743420.1).

ClinVar aggregate classification (germline): Pathogenic (1 of 4 stars; one submission).

Conditions:
Congenital myasthenic syndrome 5. Identifiers: Orphanet 590, MedGen C1864233, MONDO:0011281, OMIM 603034.

Submission:

Labcorp Genetics (formerly Invitae), Labcorp
Classification: Pathogenic for Congenital myasthenic syndrome 5. Last evaluated: 2025-10-06. Review status: criteria provided, single submitter. Criteria: Invitae Variant Classification Sherloc (09022015). Collection method: clinical testing. Allele origin: germline.
Comment: This sequence change creates a premature translational stop signal (p.Leu9Glyfs*124) in the COLQ gene. It is expected to result in an absent or disrupted protein product. Loss-of-function variants in COLQ are known to be pathogenic (PMID: 22678886). This variant is not present in population databases (gnomAD no frequency). This variant has not been reported in the literature in individuals affected with COLQ-related conditions. For these reasons, this variant has been classified as Pathogenic.

Literature cited by the submitters: PubMed 22678886.